The following is an entry in ClinVar:

NM_016343.4(CENPF):c.5324G>A (p.Arg1775Gln)

Gene: CENPF (centromere protein F; plus strand). Cytogenetic location: 1q41.
Variant type: single nucleotide variant.
Coding change: c.5324G>A on transcript NM_016343.4 (MANE Select); coding-DNA position 5324, G replaced by A.
Protein change: p.Arg1775Gln; replaces arginine 1775 with glutamine.
Molecular consequence: missense variant.
Genome position (GRCh38, 1-based): chr1:214,644,894, G>A. VCF-style: chr1-214644894-G-A. GRCh37 (hg19) VCF-style: chr1-214818237-G-A.
Other names: short protein forms R1775Q.
Identifiers: ClinVar variation 2175069 (VCV002175069.6), dbSNP rs766816759, ClinGen allele CA1390774.

ClinVar aggregate classification (germline): Conflicting classifications of pathogenicity. Review status: criteria provided, conflicting classifications (1 of 4 stars). 2 submissions from 2 submitters: Uncertain significance (1); Likely benign (1). Last evaluated 2023-08-18.

Conditions:
Inborn genetic diseases. Identifiers: MedGen C0950123, MeSH D030342.

Allele frequency attached by ClinVar (database versions not stated): ExAC 0.00001; gnomAD 0.00001; TOPMed 0.00002; gnomAD exomes 0.00003.

Submissions (2):

Ambry Genetics
Classification: Likely benign for Inborn genetic diseases. Last evaluated: 2023-08-18. Review status: criteria provided, single submitter. Criteria: Ambry Variant Classification Scheme 2023. Collection method: clinical testing. Allele origin: germline.

Labcorp Genetics (formerly Invitae), Labcorp
Classification: Uncertain significance. Last evaluated: 2022-03-15. Review status: criteria provided, single submitter. Criteria: Invitae Variant Classification Sherloc (09022015). Collection method: clinical testing. Allele origin: germline.
Comment: This sequence change replaces arginine, which is basic and polar, with glutamine, which is neutral and polar, at codon 1775 of the CENPF protein (p.Arg1775Gln). This variant is present in population databases (rs766816759, gnomAD 0.003%). This variant has not been reported in the literature in individuals affected with CENPF-related conditions. Algorithms developed to predict the effect of missense changes on protein structure and function output the following: SIFT: "Tolerated"; PolyPhen-2: "Benign"; Align-GVGD: "Class C0". The glutamine amino acid residue is found in multiple mammalian species, which suggests that this missense change does not adversely affect protein function. Algorithms developed to predict the effect of sequence changes on RNA splicing suggest that this variant may create or strengthen a splice site. In summary, the available evidence is currently insufficient to determine the role of this variant in disease. Therefore, it has been classified as a Variant of Uncertain Significance.